The following is an entry in ClinVar:

NM_022124.6(CDH23):c.5188-2A>G

Gene: CDH23 (cadherin related 23; plus strand). Cytogenetic location: 10q22.1.
Variant type: single nucleotide variant.
Coding change: c.5188-2A>G on transcript NM_022124.6 (MANE Select); the canonical splice acceptor site of the intron before coding-DNA position 5188, A replaced by G.
Molecular consequence: splice acceptor variant.
Genome position (GRCh38, 1-based): chr10:71,779,265, A>G. VCF-style: chr10-71779265-A-G. GRCh37 (hg19) VCF-style: chr10-73539022-A-G.
Identifiers: ClinVar variation 1501003 (VCV001501003.6), dbSNP rs2132929231, ClinGen allele CA377142316.

ClinVar aggregate classification (germline): Likely pathogenic (1 of 4 stars; one submission).

Submission:

Labcorp Genetics (formerly Invitae), Labcorp
Classification: Likely pathogenic. Last evaluated: 2021-08-07. Review status: criteria provided, single submitter. Criteria: Invitae Variant Classification Sherloc (09022015). Collection method: clinical testing. Allele origin: germline.
Comment: In summary, the currently available evidence indicates that the variant is pathogenic, but additional data are needed to prove that conclusively. Therefore, this variant has been classified as Likely Pathogenic. Algorithms developed to predict the effect of sequence changes on RNA splicing suggest that this variant may disrupt the consensus splice site. This variant has not been reported in the literature in individuals affected with CDH23-related conditions. This variant is not present in population databases (ExAC no frequency). This sequence change affects an acceptor splice site in intron 40 of the CDH23 gene. It is expected to disrupt RNA splicing. Variants that disrupt the donor or acceptor splice site typically lead to a loss of protein function (PMID: 16199547), and loss-of-function variants in CDH23 are known to be pathogenic (PMID: 11138009, 21940737).

Literature cited by the submitters: PubMed 16199547; PubMed 11138009; PubMed 21940737.